The following is an entry in ClinVar:

NM_002184.4(IL6ST):c.1663A>G (p.Thr555Ala)

Gene: IL6ST (interleukin 6 cytokine family signal transducer; minus strand). Cytogenetic location: 5q11.2.
Variant type: single nucleotide variant.
Coding change: c.1663A>G on transcript NM_002184.4 (MANE Select); coding-DNA position 1663, A replaced by G.
Protein change: p.Thr555Ala; replaces threonine 555 with alanine.
Molecular consequence: missense variant. On other transcripts: 3 prime UTR variant (1), non-coding transcript variant (2).
Genome position (GRCh38, 1-based): chr5:55,951,965, T>C on the plus strand (A>G on the coding strand, the complement: IL6ST is on the minus strand). VCF-style: chr5-55951965-T-C. GRCh37 (hg19) VCF-style: chr5-55247793-T-C.
Other names: c.1480A>G, p.Thr494Ala (NM_001190981.2); c.1561A>G, p.Thr521Ala (NM_001364275.2); c.1453A>G, p.Thr485Ala (NM_001364276.2); c.796A>G, p.Thr266Ala (NM_001364277.2); c.760A>G, p.Thr254Ala (NM_001364278.2); c.667A>G, p.Thr223Ala (NM_001364279.2); c.*590A>G (NM_175767.3); short protein forms T223A, T521A, T254A, T485A, T555A, T266A, T494A.
Identifiers: ClinVar variation 4778693 (VCV004778693.1).

ClinVar aggregate classification (germline): Uncertain significance (1 of 4 stars; one submission).

gnomAD v4.1: 6 of 1,505,802 alleles (0.0004%); highest among the groups gnomAD compares: Non-Finnish European, 0.00018%; no homozygotes.

Submission:

Labcorp Genetics (formerly Invitae), Labcorp
Classification: Uncertain significance. Last evaluated: 2025-08-01. Review status: criteria provided, single submitter. Criteria: Invitae Variant Classification Sherloc (09022015). Collection method: clinical testing. Allele origin: germline.
Comment: This sequence change replaces threonine, which is neutral and polar, with alanine, which is neutral and non-polar, at codon 555 of the IL6ST protein (p.Thr555Ala). This variant is present in population databases (no rsID available, gnomAD 0.004%). This variant has not been reported in the literature in individuals affected with IL6ST-related conditions. An algorithm developed to predict the effect of missense changes on protein structure and function (PolyPhen-2) suggests that this variant is likely to be disruptive. In summary, the available evidence is currently insufficient to determine the role of this variant in disease. Therefore, it has been classified as a Variant of Uncertain Significance.